The following is an entry in ClinVar:

NM_133259.4(LRPPRC):c.661_670del (p.Gly221fs)

Gene: LRPPRC (leucine rich pentatricopeptide repeat containing; minus strand). Cytogenetic location: 2p21.
Variant type: Deletion.
Coding change: c.661_670del on transcript NM_133259.4 (MANE Select); coding-DNA positions 661 to 670, 10 bases deleted (GGATTTATGA; older notation c.661_670delGGATTTATGA).
Protein change: p.Gly221fs; shifts the reading frame from glycine 221.
Molecular consequence: frameshift variant.
Genome position (GRCh38, 1-based): chr2:43,976,210-43,976,219, TCATAAATCC deleted on the plus strand (GGATTTATGA on the coding strand, the reverse complement: LRPPRC is on the minus strand). VCF-style (leftmost placement, unchanged base first): chr2-43976209-TTCATAAATCC-T. GRCh37 (hg19) VCF-style: chr2-44203348-TTCATAAATCC-T.
Other names: short protein forms G221fs.
Identifiers: ClinVar variation 4816496 (VCV004816496.1).

ClinVar aggregate classification (germline): Likely pathogenic (1 of 4 stars; one submission).

Conditions:
Congenital lactic acidosis, Saguenay-Lac-Saint-Jean type (MC4DN5). Also called: CYTOCHROME c OXIDASE DEFICIENCY, FRENCH CANADIAN TYPE; COX DEFICIENCY, FRENCH CANADIAN TYPE; MITOCHONDRIAL COMPLEX IV DEFICIENCY, NUCLEAR TYPE 5. Identifiers: Orphanet 70472, MedGen C1857355, MONDO:0009069, OMIM 220111.

Submission:

Natera, Inc.
Classification: Likely pathogenic for French-Canadian type Leigh syndrome. Last evaluated: 2025-10-16. Review status: criteria provided, single submitter. Criteria: Natera Variant Classification Schema (03/2026). Collection method: clinical testing. Allele origin: germline.
Comment: The c.661_670del variant in LRPPRC is a frameshift variant predicted to shift the reading frame beginning at codon 221 and leads to a stop codon 16 codons downstream. This variant is expected to result in nonsense mediated decay, truncation, or a dysfunctional protein product. This variant is rare in the general population with a frequency below the threshold expected for the associated phenotype(s). Given the available evidence, this variant is classified as Likely Pathogenic.